The following is an entry in ClinVar:

ClinVar aggregate classification (germline): Conflicting classifications of pathogenicity. Review status: criteria provided, conflicting classifications (1 of 4 stars). 7 submissions from 7 submitters: Pathogenic (1); Uncertain significance (6). Last evaluated 2026-02-12.

Conditions:
Retinitis pigmentosa 19 (RP19). Also called: ABCA4-Related Retinitis Pigmentosa. Identifiers: Orphanet 791, MedGen C1866422, MONDO:0011137, OMIM 601718.
Age related macular degeneration 2. Also called: MACULOPATHY, AGE-RELATED; MACULAR DEGENERATION, SENILE; MACULOPATHY, AGE-RELATED, 2. Identifiers: MedGen C3495438, MONDO:0007932, OMIM 153800.
Severe early-childhood-onset retinal dystrophy (STGD1). Also called: Stargardt macular dystrophy; Juvenile onset macular degeneration; Stargardt disease 1; STGD; MACULAR DYSTROPHY WITH FLECKS, TYPE 1. Identifiers: Orphanet 364055, Orphanet 827, MedGen C1855465, MeSH D000080362, MONDO:0009549, OMIM 248200.
Cone-rod dystrophy 3 (CORD3). Identifiers: Orphanet 1872, MedGen C1858806, MONDO:0011395, OMIM 604116.
ABCA4-related disorder. Also called: ABCA4-related condition; ABCA4-related disorders. Identifiers: MedGen CN239167.

Allele frequency attached by ClinVar (database versions not stated): ExAC 0.00002; gnomAD exomes 0.00002; gnomAD 0.00003; TOPMed 0.00005; 1000 Genomes Project 30x 0.00031; 1000 Genomes Project 0.00040.
gnomAD v4.1: 63 of 1,613,934 alleles (0.0039%); highest among the groups gnomAD compares: African/African-American, 0.024%; no homozygotes.

Submissions (7):

PreventionGenetics, part of Exact Sciences
Classification: Uncertain significance for ABCA4-related condition. Last evaluated: 2026-02-12. Review status: criteria provided, single submitter. Criteria: ACMG Guidelines, 2015. Collection method: clinical testing. Allele origin: germline.
Comment: The ABCA4 c.370C>T variant is predicted to result in the amino acid substitution p.Arg124Cys. To our knowledge, this variant has not been reported in the literature. This variant is reported in 0.012% of alleles in individuals of African descent in gnomAD. At this time, the clinical significance of this variant is uncertain due to the absence of conclusive functional and genetic evidence.

Labcorp Genetics (formerly Invitae), Labcorp
Classification: Pathogenic. Last evaluated: 2025-09-14. Review status: criteria provided, single submitter. Criteria: Invitae Variant Classification Sherloc (09022015). Collection method: clinical testing. Allele origin: germline.
Comment: This sequence change replaces arginine, which is basic and polar, with cysteine, which is neutral and slightly polar, at codon 124 of the ABCA4 protein (p.Arg124Cys). This variant is present in population databases (rs138359497, gnomAD 0.01%). This missense change has been observed in individual(s) with Stargardt disease (internal data). ClinVar contains an entry for this variant (Variation ID: 374737). Invitae Evidence Modeling of protein sequence and biophysical properties (such as structural, functional, and spatial information, amino acid conservation, physicochemical variation, residue mobility, and thermodynamic stability) indicates that this missense variant is expected to disrupt ABCA4 protein function with a positive predictive value of 95%. This variant disrupts the p.Arg124 amino acid residue in ABCA4. Other variant(s) that disrupt this residue have been determined to be pathogenic (internal data). This suggests that this residue is clinically significant, and that variants that disrupt this residue are likely to be disease-causing. For these reasons, this variant has been classified as Pathogenic.

Genomic Medicine Center of Excellence, King Faisal Specialist Hospital and Research Centre
Classification: Uncertain significance for Severe early-childhood-onset retinal dystrophy. Last evaluated: 2025-09-10. Review status: criteria provided, single submitter. Criteria: ACMG Guidelines, 2015. Collection method: clinical testing. Allele origin: germline.

Blueprint Genetics
Classification: Uncertain significance. Last evaluated: 2024-11-15. Review status: criteria provided, single submitter. Criteria: ACMG Guidelines, 2015. Collection method: clinical testing. Allele origin: germline.

GeneDx
Classification: Uncertain significance. Last evaluated: 2023-09-08. Review status: criteria provided, single submitter. Criteria: GeneDx Variant Classification Process June 2021. Collection method: clinical testing. Allele origin: germline. Affected: yes.
Comment: In silico analysis supports that this missense variant has a deleterious effect on protein structure/function; Has not been previously published as pathogenic or benign to our knowledge

Fulgent Genetics
Classification: Uncertain significance for Age related macular degeneration 2; Severe early-childhood-onset retinal dystrophy; Retinitis pigmentosa 19; Cone-rod dystrophy 3. Last evaluated: 2018-10-31. Review status: criteria provided, single submitter. Criteria: ACMG Guidelines, 2015. Collection method: clinical testing. Allele origin: unknown.

CeGaT Center for Human Genetics Tuebingen
Classification: Uncertain significance. Last evaluated: 2016-07-01. Review status: criteria provided, single submitter. Criteria: CeGaT Center For Human Genetics Tuebingen Variant Classification Criteria Version 2. Collection method: clinical testing. Allele origin: germline. Affected: yes. Observed: 1 variant allele.

NM_000350.3(ABCA4):c.370C>T (p.Arg124Cys)

Gene: ABCA4 (ATP binding cassette subfamily A member 4; minus strand). Cytogenetic location: 1p22.1.
Variant type: single nucleotide variant.
Coding change: c.370C>T on transcript NM_000350.3 (MANE Select); coding-DNA position 370, C replaced by T.
Protein change: p.Arg124Cys; replaces arginine 124 with cysteine.
Molecular consequence: missense variant.
Genome position (GRCh38, 1-based): chr1:94,108,649, G>A on the plus strand (C>T on the coding strand, the complement: ABCA4 is on the minus strand). VCF-style: chr1-94108649-G-A. GRCh37 (hg19) VCF-style: chr1-94574205-G-A.
Other names: c.370C>T, p.Arg124Cys (NM_001425324.1); short protein forms R124C.
Identifiers: ClinVar variation 374737 (VCV000374737.53), dbSNP rs138359497, ClinGen allele CA958855.